The following is an entry in ClinVar:

ClinVar aggregate classification (germline): Uncertain significance (1 of 4 stars; one submission).

Allele frequency attached by ClinVar (database versions not stated): gnomAD exomes below 0.00001; TOPMed below 0.00001; gnomAD 0.00001.

Submission:

Labcorp Genetics (formerly Invitae), Labcorp
Classification: Uncertain significance. Last evaluated: 2022-08-23. Review status: criteria provided, single submitter. Criteria: Invitae Variant Classification Sherloc (09022015). Collection method: clinical testing. Allele origin: germline.
Comment: In summary, the available evidence is currently insufficient to determine the role of this variant in disease. Therefore, it has been classified as a Variant of Uncertain Significance. Algorithms developed to predict the effect of missense changes on protein structure and function are either unavailable or do not agree on the potential impact of this missense change (SIFT: "Not Available"; PolyPhen-2: "Probably Damaging"; Align-GVGD: "Not Available"). ClinVar contains an entry for this variant (Variation ID: 1507913). This variant has not been reported in the literature in individuals affected with HYOU1-related conditions. This variant is present in population databases (rs782202493, gnomAD 0.006%). This sequence change replaces glycine, which is neutral and non-polar, with aspartic acid, which is acidic and polar, at codon 332 of the HYOU1 protein (p.Gly332Asp).

NM_006389.5(HYOU1):c.995G>A (p.Gly332Asp)

Gene: HYOU1 (hypoxia up-regulated 1; minus strand). Cytogenetic location: 11q23.3.
Variant type: single nucleotide variant.
Coding change: c.995G>A on transcript NM_006389.5 (MANE Select); coding-DNA position 995, G replaced by A.
Protein change: p.Gly332Asp; replaces glycine 332 with aspartic acid.
Molecular consequence: missense variant.
Genome position (GRCh38, 1-based): chr11:119,052,422, C>T on the plus strand (G>A on the coding strand, the complement: HYOU1 is on the minus strand). VCF-style: chr11-119052422-C-T. GRCh37 (hg19) VCF-style: chr11-118923134-C-T.
Other names: c.995G>A, p.Gly332Asp (NM_001130991.3); short protein forms G332D.
Identifiers: ClinVar variation 1507913 (VCV001507913.8), dbSNP rs782202493, ClinGen allele CA229623189.